The following is an entry in ClinVar:

ClinVar aggregate classification (germline): Benign (1 of 4 stars; one submission).

Allele frequency attached by ClinVar (database versions not stated): TOPMed 0.51389; gnomAD 0.51683 and 0.52023; 1000 Genomes Project 0.54213; 1000 Genomes Project 30x 0.54357.
gnomAD v4.1: 78,127 of 151,596 alleles (52%); highest among the groups gnomAD compares: African/African-American, 75%; 21,956 homozygotes.

Submission:

GeneDx
Classification: Benign. Last evaluated: 2018-06-19. Review status: criteria provided, single submitter. Criteria: GeneDx Variant Classification (06012015). Collection method: clinical testing. Allele origin: germline. Affected: yes.
Comment: This variant is considered likely benign or benign based on one or more of the following criteria: it is a conservative change, it occurs at a poorly conserved position in the protein, it is predicted to be benign by multiple in silico algorithms, and/or has population frequency not consistent with disease.

NM_001042545.2(LTBP4):c.3071-321C>T

Gene: LTBP4 (latent transforming growth factor beta binding protein 4; plus strand). Cytogenetic location: 19q13.2.
Variant type: single nucleotide variant.
Coding change: c.3071-321C>T on transcript NM_001042545.2 (MANE Select); 321 bases into the intron before coding-DNA position 3071, C replaced by T.
Molecular consequence: intron variant.
Genome position (GRCh38, 1-based): chr19:40,619,026, C>T. VCF-style: chr19-40619026-C-T. GRCh37 (hg19) VCF-style: chr19-41124931-C-T.
Other names: c.3161-321C>T (NM_003573.2); c.3272-321C>T (NM_001042544.1).
Identifiers: ClinVar variation 683623 (VCV000683623.1), dbSNP rs7259067, ClinGen allele CA14643003.